The following is an entry in ClinVar:

ClinVar aggregate classification (germline): Conflicting classifications of pathogenicity. Review status: criteria provided, conflicting classifications (1 of 4 stars). 2 submissions from 2 submitters: Uncertain significance (1); Likely benign (1). Last evaluated 2025-08-26.

Conditions:
Inborn genetic diseases. Identifiers: MedGen C0950123, MeSH D030342.

Allele frequency attached by ClinVar (database versions not stated): TOPMed 0.00003.
gnomAD v4.1: 2 of 1,614,030 alleles (0.00012%); highest among the groups gnomAD compares: Admixed American, 0.0017%; no homozygotes.

Submissions (2):

Ambry Genetics
Classification: Uncertain significance for Inborn genetic diseases. Last evaluated: 2025-08-26. Review status: criteria provided, single submitter. Criteria: Ambry Variant Classification Scheme 2023. Collection method: clinical testing. Allele origin: germline.

GeneDx
Classification: Likely benign. Last evaluated: 2021-09-14. Review status: criteria provided, single submitter. Criteria: GeneDx Variant Classification Process June 2021. Collection method: clinical testing. Allele origin: germline. Affected: yes.
Comment: Not observed in large population cohorts (Lek et al., 2016); In silico analysis supports that this missense variant does not alter protein structure/function; Has not been previously published as pathogenic or benign to our knowledge

NM_030632.3(ASXL3):c.4097A>T (p.Asn1366Ile)

Gene: ASXL3 (ASXL transcriptional regulator 3; plus strand). Cytogenetic location: 18q12.1.
Variant type: single nucleotide variant.
Coding change: c.4097A>T on transcript NM_030632.3 (MANE Select); coding-DNA position 4097, A replaced by T.
Protein change: p.Asn1366Ile; replaces asparagine 1366 with isoleucine.
Molecular consequence: missense variant.
Genome position (GRCh38, 1-based): chr18:33,743,945, A>T. VCF-style: chr18-33743945-A-T. GRCh37 (hg19) VCF-style: chr18-31323909-A-T.
Other names: short protein forms N1366I.
Identifiers: ClinVar variation 1194494 (VCV001194494.5), dbSNP rs2067715986, ClinGen allele CA402190009.
Genomic context (GRCh38, chr18:33,743,945, plus strand): 5'-TCGGAAACAATTTGCCAAACCTCTCCACTAGCTCTGTCTTGATTCCCCCAATGGGAATTA[A>T]CAACAGATTTCCTTCTGAGAAGATAGCCATACCTGGGAGTGAAGAACAGGCCACTGTATC-3'
Protein context (NP_085135.1, residues 1356-1376): SSVLIPPMGI[Asn1366Ile]NRFPSEKIAI